The following is an entry in ClinVar:

NM_000264.5(PTCH1):c.1312A>G (p.Ser438Gly)

Gene: PTCH1 (patched 1; minus strand). Cytogenetic location: 9q22.32.
Variant type: single nucleotide variant.
Coding change: c.1312A>G on transcript NM_000264.5 (MANE Select); coding-DNA position 1312, A replaced by G.
Protein change: p.Ser438Gly; replaces serine 438 with glycine.
Molecular consequence: missense variant. On other transcripts: non-coding transcript variant (1).
Genome position (GRCh38, 1-based): chr9:95,478,090, T>C on the plus strand (A>G on the coding strand, the complement: PTCH1 is on the minus strand). VCF-style: chr9-95478090-T-C. GRCh37 (hg19) VCF-style: chr9-98240372-T-C.
Other names: c.1114A>G, p.Ser372Gly (NM_001083602.3); c.1309A>G, p.Ser437Gly (NM_001083603.3); c.859A>G, p.Ser287Gly (NM_001083604.3, NM_001083605.3, NM_001083606.3 and 1 more transcripts); c.1312A>G, p.Ser438Gly (NM_001354918.2); short protein forms S287G, S372G, S437G, S438G.
Identifiers: ClinVar variation 1051629 (VCV001051629.17), dbSNP rs2118331535, ClinGen allele CA374118770.

ClinVar aggregate classification (germline): Uncertain significance. Review status: criteria provided, multiple submitters, no conflicts (2 of 4 stars). 4 submissions from 4 submitters: Uncertain significance (4). Last evaluated 2025-03-02.

Conditions:
Gorlin syndrome. Also called: Nevoid Basal Cell Carcinoma Syndrome; Basal cell nevus syndrome. Identifiers: Orphanet 377, MedGen C0004779, MONDO:0007187.
Hereditary cancer-predisposing syndrome. Also called: Hereditary Cancer Syndrome; Tumor predisposition; Hereditary neoplastic syndrome; Neoplastic Syndromes, Hereditary. Identifiers: Orphanet 140162, MedGen C0027672, MeSH D009386, MONDO:0015356.

Allele frequency attached by ClinVar (database versions not stated): gnomAD exomes below 0.00001.

Submissions (4):

Ambry Genetics
Classification: Uncertain significance for Hereditary cancer-predisposing syndrome. Last evaluated: 2025-03-02. Review status: criteria provided, single submitter. Criteria: Ambry Variant Classification Scheme 2023. Collection method: clinical testing. Allele origin: germline.
Comment: The p.S438G variant (also known as c.1312A>G), located in coding exon 9 of the PTCH1 gene, results from an A to G substitution at nucleotide position 1312. The serine at codon 438 is replaced by glycine, an amino acid with similar properties. This amino acid position is highly conserved in available vertebrate species. In addition, this alteration is predicted to be deleterious by in silico analysis. Since supporting evidence is limited at this time, the clinical significance of this alteration remains unclear.

GeneDx
Classification: Uncertain significance. Last evaluated: 2024-11-05. Review status: criteria provided, single submitter. Criteria: GeneDx Variant Classification Process June 2021. Collection method: clinical testing. Allele origin: germline. Affected: yes.
Comment: Not observed at significant frequency in large population cohorts (gnomAD); In silico analysis supports that this missense variant has a deleterious effect on protein structure/function; Has not been previously published as pathogenic or benign to our knowledge; This variant is associated with the following publications: (PMID: 11369205)

Labcorp Genetics (formerly Invitae), Labcorp
Classification: Uncertain significance for Gorlin syndrome. Last evaluated: 2024-06-26. Review status: criteria provided, single submitter. Criteria: Invitae Variant Classification Sherloc (09022015). Collection method: clinical testing. Allele origin: germline.
Comment: This sequence change replaces serine, which is neutral and polar, with glycine, which is neutral and non-polar, at codon 438 of the PTCH1 protein (p.Ser438Gly). This variant is not present in population databases (gnomAD no frequency). This variant has not been reported in the literature in individuals affected with PTCH1-related conditions. ClinVar contains an entry for this variant (Variation ID: 1051629). Advanced modeling of protein sequence and biophysical properties (such as structural, functional, and spatial information, amino acid conservation, physicochemical variation, residue mobility, and thermodynamic stability) performed at Invitae indicates that this missense variant is not expected to disrupt PTCH1 protein function with a negative predictive value of 95%. In summary, the available evidence is currently insufficient to determine the role of this variant in disease. Therefore, it has been classified as a Variant of Uncertain Significance.

Blueprint Genetics
Classification: Uncertain significance. Last evaluated: 2024-02-22. Review status: criteria provided, single submitter. Criteria: ACMG Guidelines, 2015. Collection method: clinical testing. Allele origin: germline.